The following is an entry in ClinVar:

NM_175914.5(HNF4A):c.583-1G>A

Gene: HNF4A (hepatocyte nuclear factor 4 alpha; plus strand). Cytogenetic location: 20q13.12.
Variant type: single nucleotide variant.
Coding change: c.583-1G>A on transcript NM_175914.5 (MANE Select); the canonical splice acceptor site of the intron before coding-DNA position 583, G replaced by A.
Molecular consequence: splice acceptor variant.
Genome position (GRCh38, 1-based): chr20:44,418,424, G>A. VCF-style: chr20-44418424-G-A. GRCh37 (hg19) VCF-style: chr20-43047064-G-A.
Other names: NM_175914.5:c.583-1G>A; c.583-1G>A (NM_175914.4, NM_001030003.3, NM_001030004.3); c.574-1G>A (NM_001287182.2, NM_001287183.2, NM_001287184.2); c.628-1G>A (NM_001258355.2); c.649-1G>A (NM_178849.3, NM_000457.6, NM_178850.3).
Identifiers: ClinVar variation 3238969 (VCV003238969.3), dbSNP rs2515692811.

ClinVar aggregate classification (germline): Pathogenic. Review status: reviewed by expert panel (3 of 4 stars). 2 submissions from 2 submitters: Pathogenic (1). 1 of the submissions does not count toward it. Last evaluated 2024-05-09.

Conditions:
Maturity-onset diabetes of the young type 1. Also called: MILD JUVENILE DIABETES MELLITUS; HNF4A-Related Maturity-Onset Diabetes of the Young Type 1; MODY type 1; Diabetes mellitus MODY type 1; MODY HNF4A related; MODY, type I. Identifiers: Orphanet 552, MedGen C1852093, MONDO:0007452, OMIM 125850. Disease mechanism: loss of function.
Type 2 diabetes mellitus. Also called: Type II diabetes mellitus. Identifiers: MedGen C0011860, MeSH D003924, MONDO:0005148, OMIM 125853, HP:0005978.
Fanconi renotubular syndrome 4 with maturity-onset diabetes of the young (FRTS4). Also called: FRTS4 WITH MODY. Identifiers: Orphanet 93111, MedGen C4014962, MONDO:0014458, OMIM 616026.
Monogenic diabetes. Identifiers: Orphanet 183625, MedGen C3888631, MONDO:0015967.

Submissions (2):

ClinGen Monogenic Diabetes Variant Curation Expert Panel
Classification: Pathogenic for Monogenic diabetes. Last evaluated: 2024-05-09. Review status: reviewed by expert panel. Criteria: ClinGen Diabetes ACMG Specifications HNF4A V2.0.0. Collection method: curation. Allele origin: germline. Inheritance: Autosomal dominant inheritance.
Comment: The c.583-1G>A variant in the hepatocyte nuclear factor4-alpha gene, HNF4A, is predicted to remove a canonical splice acceptor site in intron 5 of NM_175914.5. This variant is predicted to cause skipping of biologically-relevant exon 6 of 10, resulting in a frameshift, leading to nonsense mediated decay in a gene in which loss-of-function is an established disease mechanism (PVS1; PMID: 23348805). This variant is absent in gnomAD v2.1.1 (PM2_Supporting). It was identified in three unrelated individuals with non-autoimmune and non-absolute/near-absolute insulin-deficient diabetes; however, PS4_Moderate cannot be applied because this number is below the ClinGen MDEP threshold (internal lab contributors). One of these individuals has a clinical history highly specific for HNF4A-MODY (MODY probability calculator result >50%, negative genetic testing for HNF1A) (PP4; internal lab contributor). In summary, c.583-1G>A meets the criteria to be classified as pathogenic for monogenic diabetes. ACMG/AMP criteria applied, as specified by the ClinGen MDEP (specification version 2.0.0, approved 10/11/2023): PVS1, PP4, PM2_Supporting.

Juno Genomics, Hangzhou Juno Genomics, Inc
Classification: Pathogenic for Fanconi renotubular syndrome 4 with maturity-onset diabetes of the young; Maturity-onset diabetes of the young type 1; Type 2 diabetes mellitus. Review status: criteria provided, single submitter. Criteria: ACMG Guidelines, 2015. Collection method: clinical testing. Allele origin: germline. Affected: yes. Not counted in ClinVar's aggregate classification.
Comment: Absent from controls (or at extremely low frequency if recessive) in Genome Aggregation Database, Exome Sequencing Project, 1000 Genomes Project, or Exome Aggregation Consortium.;Null variant in a gene where loss of function (LOF) is a known mechanism of disease.;Patient's phenotype or family history is highly specific for a disease with a single genetic etiology.